The following is an entry in ClinVar:

NM_173495.3(PTCHD1):c.1901A>T (p.Lys634Ile)

Gene: PTCHD1 (patched domain containing 1; plus strand). Cytogenetic location: Xp22.11.
Variant type: single nucleotide variant.
Coding change: c.1901A>T on transcript NM_173495.3 (MANE Select); coding-DNA position 1901, A replaced by T.
Protein change: p.Lys634Ile; replaces lysine 634 with isoleucine.
Molecular consequence: missense variant.
Genome position (GRCh38, 1-based): chrX:23,393,419, A>T. VCF-style: chrX-23393419-A-T. GRCh37 (hg19) VCF-style: chrX-23411536-A-T.
Other names: short protein forms K634I.
Identifiers: ClinVar variation 5037590 (VCV005037590.1).

ClinVar aggregate classification (germline): Uncertain significance (1 of 4 stars; one submission).

Submission:

GeneDx
Classification: Uncertain significance. Last evaluated: 2026-04-25. Review status: criteria provided, single submitter. Criteria: GeneDx Variant Classification Process June 2021. Collection method: clinical testing. Allele origin: germline.
Comment: Not observed at significant frequency in large population cohorts (gnomAD); In silico analysis suggests that this missense variant does not alter protein structure/function; Has not been previously published as pathogenic or benign to our knowledge